The following is an entry in ClinVar:

ClinVar aggregate classification (germline): Pathogenic (1 of 4 stars; one submission).

Conditions:
Hereditary cancer-predisposing syndrome. Also called: Neoplastic Syndromes, Hereditary; Tumor predisposition; Hereditary Cancer Syndrome; Hereditary neoplastic syndrome. Identifiers: Orphanet 140162, MedGen C0027672, MeSH D009386, MONDO:0015356.

Submission:

Ambry Genetics
Classification: Pathogenic for Hereditary cancer-predisposing syndrome. Last evaluated: 2025-12-05. Review status: criteria provided, single submitter. Criteria: Ambry Variant Classification Scheme 2023. Collection method: clinical testing. Allele origin: germline.
Comment: The c.5097delT pathogenic mutation, located in coding exon 10 of the BRCA2 gene, results from a deletion of one nucleotide at nucleotide position 5097, causing a translational frameshift with a predicted alternate stop codon (p.D1699Efs*7). This variant is considered to be rare based on population cohorts in the Genome Aggregation Database (gnomAD). This alteration is expected to result in loss of function by premature protein truncation or nonsense-mediated mRNA decay. As such, this alteration is interpreted as a disease-causing mutation.

NM_000059.4(BRCA2):c.5097del (p.Asp1699fs)

Gene: BRCA2 (BRCA2 DNA repair associated; plus strand). Cytogenetic location: 13q13.1.
Variant type: Deletion.
Coding change: c.5097del on transcript NM_000059.4 (MANE Select); coding-DNA position 5097, one base deleted (T; older notation c.5097delT).
Protein change: p.Asp1699fs; shifts the reading frame from aspartic acid 1699.
Molecular consequence: frameshift variant. On other transcripts: non-coding transcript variant (1), intron variant (2).
Genome position (GRCh38, 1-based): chr13:32,339,452, T deleted. VCF-style (leftmost placement, unchanged base first): chr13-32339451-AT-A. GRCh37 (hg19) VCF-style: chr13-32913588-AT-A.
Other names: c.5097del, p.Asp1699fs (NM_001406719.1, NM_001406720.1, NM_001432077.1); c.1910-5106del (NM_001406721.1); c.425-5106del (NM_001406722.1); short protein forms D1699fs.
Identifiers: ClinVar variation 4629474 (VCV004629474.1).
Genomic context (GRCh38, chr13:32,339,451, plus strand): 5'-CTTCTGTGAGTCAGACTTCATTACTTGAAGCAAAAAAATGGCTTAGAGAAGGAATATTTG[AT>A]GGTCAACCAGAAAGAATAAATACTGCAGATTATGTAGGAAATTATTTGTATGAAAATAAT-3'